The following is an entry in ClinVar:

ClinVar aggregate classification (germline): Uncertain significance (1 of 4 stars; one submission).

Conditions:
Autosomal dominant hypocalcemia 1 (HYPOC1). Also called: HYPOCALCEMIA, FAMILIAL. Identifiers: MedGen C3715128, MONDO:0011013, OMIM 601198.
Familial hypocalciuric hypercalcemia (FHH). Also called: Familial benign hypercalcemia. Identifiers: Orphanet 405, MedGen C1809471, MONDO:0018458.

gnomAD v4.1: 2 of 1,614,156 alleles (0.00012%); highest among the groups gnomAD compares: Non-Finnish European, 0.00017%; no homozygotes.

Submission:

Labcorp Genetics (formerly Invitae), Labcorp
Classification: Uncertain significance for Familial hypocalciuric hypercalcemia; Autosomal dominant hypocalcemia 1. Last evaluated: 2023-01-24. Review status: criteria provided, single submitter. Criteria: Invitae Variant Classification Sherloc (09022015). Collection method: clinical testing. Allele origin: germline.
Comment: In summary, the available evidence is currently insufficient to determine the role of this variant in disease. Therefore, it has been classified as a Variant of Uncertain Significance. Algorithms developed to predict the effect of missense changes on protein structure and function (SIFT, PolyPhen-2, Align-GVGD) all suggest that this variant is likely to be disruptive. This variant has not been reported in the literature in individuals affected with CASR-related conditions. This variant is not present in population databases (gnomAD no frequency). This sequence change replaces glutamic acid, which is acidic and polar, with glutamine, which is neutral and polar, at codon 80 of the CASR protein (p.Glu80Gln).

NM_000388.4(CASR):c.238G>C (p.Glu80Gln)

Gene: CASR (calcium sensing receptor; plus strand). Cytogenetic location: 3q21.1.
Variant type: single nucleotide variant.
Coding change: c.238G>C on transcript NM_000388.4 (MANE Select); coding-DNA position 238, G replaced by C.
Protein change: p.Glu80Gln; replaces glutamic acid 80 with glutamine.
Molecular consequence: missense variant.
Genome position (GRCh38, 1-based): chr3:122,257,133, G>C. VCF-style: chr3-122257133-G-C. GRCh37 (hg19) VCF-style: chr3-121975980-G-C.
Other names: c.238G>C, p.Glu80Gln (NM_001178065.2); short protein forms E80Q.
Identifiers: ClinVar variation 2943581 (VCV002943581.3), dbSNP rs2473214100, ClinGen allele CA354362459.